The following is an entry in ClinVar:

NM_007294.4(BRCA1):c.5278-17T>G

Gene: BRCA1 (BRCA1 DNA repair associated; minus strand). Cytogenetic location: 17q21.31.
Variant type: single nucleotide variant.
Coding change: c.5278-17T>G on transcript NM_007294.4 (MANE Select); 17 bases into the intron before coding-DNA position 5278, T replaced by G.
Molecular consequence: intron variant.
Genome position (GRCh38, 1-based): chr17:43,051,134, A>C on the plus strand (T>G on the coding strand, the complement: BRCA1 is on the minus strand). VCF-style: chr17-43051134-A-C. GRCh37 (hg19) VCF-style: chr17-41203151-A-C.
Other names: c.1825-17T>G (NM_001408458.1, NM_001408461.1, NM_001408464.1 and 7 more transcripts); c.4387-17T>G (NM_001407967.1); c.4897-17T>G (NM_001407959.1); c.5011-17T>G (NM_001407931.1, NM_001407932.1, NM_001407928.1 and 4 more transcripts); c.5134-17T>G (NM_001407747.1, NM_001407745.1, NM_001407737.1 and 21 more transcripts); c.4894-17T>G (NM_001407962.1, NM_001407960.1); c.1465-17T>G (NM_001408512.1); c.1588-17T>G (NM_001408510.1); and 74 more.
Identifiers: ClinVar variation 867322 (VCV000867322.3), dbSNP rs2051218356, ClinGen allele CA916081088.

Conditions:
Breast-ovarian cancer, familial, susceptibility to, 1 (BROVCA1). Also called: BRCA1 Hereditary Breast and Ovarian Cancer; OVARIAN CANCER, SUSCEPTIBILITY TO. Identifiers: Orphanet 145, MedGen C2676676, MONDO:0011450, OMIM 604370. Disease mechanism: loss of function.

Submission:

Brotman Baty Institute, University of Washington
No classification provided (evidence only). Condition: Breast-ovarian cancer, familial 1. Review status: no classification provided. Collection method: in vitro. Allele origin: not applicable. Functional consequence: functionally_normal.
ClinVar note: "not provided" was previously submitted as the classification for the variant. However, the classification appeared to be based only on an observation of functional data so it was converted to no classification on 2025-07-30.